The following is an entry in ClinVar:

ClinVar aggregate classification (germline): Uncertain significance (1 of 4 stars; one submission).

Submission:

GeneDx
Classification: Uncertain significance. Last evaluated: 2026-03-09. Review status: criteria provided, single submitter. Criteria: GeneDx Variant Classification Process June 2021. Collection method: clinical testing. Allele origin: germline.
Comment: Not observed at significant frequency in large population cohorts (gnomAD); In silico analysis suggests that this missense variant does not alter protein structure/function; Has not been previously published as pathogenic or benign to our knowledge

NM_000719.7(CACNA1C):c.3929A>C (p.Gln1310Pro)

Gene: CACNA1C (calcium voltage-gated channel subunit alpha1 C; plus strand). Cytogenetic location: 12p13.33.
Variant type: single nucleotide variant.
Coding change: c.3929A>C on transcript NM_000719.7 (MANE Select); coding-DNA position 3929, A replaced by C.
Protein change: p.Gln1310Pro; replaces glutamine 1310 with proline.
Molecular consequence: missense variant. On other transcripts: intron variant (6).
Genome position (GRCh38, 1-based): chr12:2,648,491, A>C. VCF-style: chr12-2648491-A-C. GRCh37 (hg19) VCF-style: chr12-2757657-A-C.
Other names: c.4073A>C, p.Gln1358Pro (NM_001129827.2, NM_199460.4); c.3929A>C, p.Gln1310Pro (NM_001129829.2, NM_001129830.3, NM_001129833.2 and 8 more transcripts); c.4013A>C, p.Gln1338Pro (NM_001129831.2); c.3989A>C, p.Gln1330Pro (NM_001129832.2); c.3920A>C, p.Gln1307Pro (NM_001129844.2); c.3913-3149A>C (NM_001167625.2, NM_001129837.2, NM_001129838.2 and 1 more transcripts); c.3907-3149A>C (NM_001129839.2); c.3997-3149A>C (NM_001129836.2); short protein forms Q1307P, Q1310P, Q1330P, Q1338P, Q1358P.
Identifiers: ClinVar variation 2412854 (VCV002412854.5), dbSNP rs2527117255, ClinGen allele CA383373198.